The following is an entry in ClinVar:

ClinVar aggregate classification (germline): Pathogenic/Likely pathogenic. Review status: criteria provided, multiple submitters, no conflicts (2 of 4 stars). 2 submissions from 2 submitters: Pathogenic (1); Likely pathogenic (1). Last evaluated 2026-09-11.

Conditions:
Hereditary cancer-predisposing syndrome. Also called: Tumor predisposition; Hereditary neoplastic syndrome; Neoplastic Syndromes, Hereditary; Hereditary Cancer Syndrome. Identifiers: Orphanet 140162, MedGen C0027672, MeSH D009386, MONDO:0015356.
Hereditary diffuse gastric adenocarcinoma (HDGC). Also called: DIFFUSE GASTRIC AND LOBULAR BREAST CANCER SYNDROME. Identifiers: Orphanet 26106, MedGen C1708349, MONDO:0007648, OMIM 137215.

Submissions (2):

Ambry Genetics
Classification: Pathogenic for Hereditary cancer-predisposing syndrome. Last evaluated: 2026-09-11. Review status: criteria provided, single submitter. Criteria: Ambry Variant Classification Scheme 2023. Collection method: clinical testing. Allele origin: germline.
Comment: The c.833-1G>A intronic pathogenic mutation results from a G to A substitution one nucleotide upstream from coding exon 7 of the CDH1 gene. This variant was reported in individual(s) with features consistent with hereditary diffuse gastric cancer (HDGC) (Ambry internal data). This nucleotide position is highly conserved in available vertebrate species. RNA studies have demonstrated that this variant results in abnormal splicing in the set of samples tested (Ambry internal data). This variant is considered to be rare based on population cohorts in the Genome Aggregation Database (gnomAD). In addition, alterations that disrupt the canonical splice site are expected to cause aberrant splicing, resulting in an abnormal protein or a transcript that is subject to nonsense-mediated mRNA decay. As such, this alteration is classified as a disease-causing mutation.

Myriad Genetics, Inc.
Classification: Likely pathogenic for Hereditary diffuse gastric adenocarcinoma. Last evaluated: 2025-12-30. Review status: criteria provided, single submitter. Criteria: Myriad Autosomal Dominant, Autosomal Recessive and X-Linked Classification Criteria (2023). Collection method: clinical testing. Allele origin: unknown.
Comment: This variant is considered likely pathogenic. This variant occurs within a consensus splice junction and is predicted to result in abnormal mRNA splicing of either an out-of-frame exon or an in-frame exon necessary for protein stability and/or normal function.

NM_004360.5(CDH1):c.833-1G>A

Gene: CDH1 (cadherin 1; plus strand). Cytogenetic location: 16q22.1.
Variant type: single nucleotide variant.
Coding change: c.833-1G>A on transcript NM_004360.5 (MANE Select); the canonical splice acceptor site of the intron before coding-DNA position 833, G replaced by A.
Molecular consequence: splice acceptor variant.
Genome position (GRCh38, 1-based): chr16:68,811,683, G>A. VCF-style: chr16-68811683-G-A. GRCh37 (hg19) VCF-style: chr16-68845586-G-A.
Other names: c.-783-1G>A (NM_001317185.2); c.-987-1G>A (NM_001317186.2); c.833-1G>A (NM_001317184.2).
Identifiers: ClinVar variation 822311 (VCV000822311.6), dbSNP rs1597893910, ClinGen allele CA396459535.
Genomic context (GRCh38, chr16:68,811,683, plus strand): 5'-AGTATTGACCCAGTCCCAAAGTGCAGCTTGTCTAAACCTTCATCTCCTTGAACTCTTCCA[G>A]GAACCTCTGTGATGGAGGTCACAGCCACAGACGCGGACGATGATGTGAACACCTACAATG-3'